The following is an entry in ClinVar:

NM_138393.4(REEP6):c.307G>A (p.Asp103Asn)

Gene: REEP6 (receptor accessory protein 6; plus strand). Cytogenetic location: 19p13.3.
Variant type: single nucleotide variant.
Coding change: c.307G>A on transcript NM_138393.4 (MANE Select); coding-DNA position 307, G replaced by A.
Protein change: p.Asp103Asn; replaces aspartic acid 103 with asparagine.
Molecular consequence: missense variant.
Genome position (GRCh38, 1-based): chr19:1,495,566, G>A. VCF-style: chr19-1495566-G-A. GRCh37 (hg19) VCF-style: chr19-1495565-G-A.
Other names: c.307G>A, p.Asp103Asn (NM_001329556.3); c.307G>A (NM_138393.1); short protein forms D103N.
Identifiers: ClinVar variation 1352766 (VCV001352766.4), dbSNP rs778188773, ClinGen allele CA9047481.

ClinVar aggregate classification (germline): Uncertain significance. Review status: criteria provided, multiple submitters, no conflicts (2 of 4 stars). 2 submissions from 2 submitters: Uncertain significance (2). Last evaluated 2024-09-05.

Conditions:
Inborn genetic diseases. Identifiers: MedGen C0950123, MeSH D030342.

Allele frequency attached by ClinVar (database versions not stated): gnomAD exomes below 0.00001; ExAC 0.00001; TOPMed 0.00002; gnomAD 0.00003.
gnomAD v4.1: 18 of 1,613,980 alleles (0.0011%); highest among the groups gnomAD compares: Non-Finnish European, 0.0014%; no homozygotes.

Submissions (2):

Ambry Genetics
Classification: Uncertain significance for Inborn genetic diseases. Last evaluated: 2024-09-05. Review status: criteria provided, single submitter. Criteria: Ambry Variant Classification Scheme 2023. Collection method: clinical testing. Allele origin: germline.

Labcorp Genetics (formerly Invitae), Labcorp
Classification: Uncertain significance. Last evaluated: 2022-07-16. Review status: criteria provided, single submitter. Criteria: Invitae Variant Classification Sherloc (09022015). Collection method: clinical testing. Allele origin: germline.
Comment: This sequence change replaces aspartic acid, which is acidic and polar, with asparagine, which is neutral and polar, at codon 103 of the REEP6 protein (p.Asp103Asn). This variant is present in population databases (rs778188773, gnomAD 0.004%). This variant has not been reported in the literature in individuals affected with REEP6-related conditions. ClinVar contains an entry for this variant (Variation ID: 1352766). Experimental studies and prediction algorithms are not available or were not evaluated, and the functional significance of this variant is currently unknown. In summary, the available evidence is currently insufficient to determine the role of this variant in disease. Therefore, it has been classified as a Variant of Uncertain Significance.